The following is an entry in ClinVar:

ClinVar aggregate classification (germline): Likely pathogenic (1 of 4 stars; one submission).

Conditions:
Intellectual developmental disorder, X-linked 100. Also called: Intellectual disability, X-linked 100. Identifiers: MedGen C3890167, MONDO:0010488, OMIM 300923.

gnomAD v4.1: 3 of 1,051,707 alleles (0.00029%); highest among the groups gnomAD compares: Non-Finnish European, 0.0004%; no homozygotes.

Submission:

Medical Genetics Clinic, University of Catania
Classification: Likely pathogenic for Intellectual developmental disorder, X-linked 100. Last evaluated: 2025-02-12. Review status: criteria provided, single submitter. Criteria: ACMG Guidelines, 2015. Collection method: clinical testing. Allele origin: maternal. Inheritance: X-linked recessive inheritance. Affected: yes. Observed: 1 hemizygote.
Comment: KIF4A, a N5-kinesins highly expressed in differentiated young neurons, moves into the neurites after dissociation from the enzymatic protein poly (ADP-ribose) polymerase 1 (PARP1), which prevents apoptosis (Midorikawa, et al., 2006). Here, it may transports cargoes important for development of neurons, such as the adhesion molecule L1 involved in axon and synapse development (Peretti et al., 2000). Variants involving the KIF4A gene (MIM:300521) are associated in the literature with a clinical condition called “Intellectual developmental disorder, X-linked 100” (MIM:300923) with recessive X-linked transmission mode and loss-of-function mechanism (Kalantari et al., 2021; Willemsen et al., 2014). This condition is characterized by highly variable clinical signs including: developmental delay, convulsions, hydrocephalus, hydranencephaly, ventriculomegaly, cerebellar hypoplasia, agenesis of the corpus callosum, hypoplasia and malrotation of the hippocampus, polymicrogyria, perinodular hyperplasia and interhemispheric cysts. Other anomalies described are those of the kidney and urinary tract, such as dysplastic cystic kidneys. The highlighted variant could interfere with the processing of the gene transcript.

Literature cited by the submitters: DOI 10.1016/j.cell.2006.02.039; DOI 10.1083/jcb.149.1.141; DOI 10.1002/ajmg.a.62443; DOI 10.1136/jmedgenet-2013-102182.

NM_012310.5(KIF4A):c.1778+21T>C

Gene: KIF4A (kinesin family member 4A; plus strand). Cytogenetic location: Xq13.1.
Variant type: single nucleotide variant.
Coding change: c.1778+21T>C on transcript NM_012310.5 (MANE Select); 21 bases into the intron after coding-DNA position 1778, T replaced by C.
Molecular consequence: intron variant.
Genome position (GRCh38, 1-based): chrX:70,374,275, T>C. VCF-style: chrX-70374275-T-C. GRCh37 (hg19) VCF-style: chrX-69594125-T-C.
Other names: NP_036442.3.
Identifiers: ClinVar variation 3770236 (VCV003770236.2).